The following is an entry in ClinVar:

NM_000321.3(RB1):c.400T>G (p.Leu134Val)

Gene: RB1 (RB transcriptional corepressor 1; plus strand). Cytogenetic location: 13q14.2.
Variant type: single nucleotide variant.
Coding change: c.400T>G on transcript NM_000321.3 (MANE Select); coding-DNA position 400, T replaced by G.
Protein change: p.Leu134Val; replaces leucine 134 with valine.
Molecular consequence: missense variant.
Genome position (GRCh38, 1-based): chr13:48,345,099, T>G. VCF-style: chr13-48345099-T-G. GRCh37 (hg19) VCF-style: chr13-48919235-T-G.
Other names: c.400T>G, p.Leu134Val (NM_001407165.1, NM_001407166.1); short protein forms L134V.
Identifiers: ClinVar variation 1737015 (VCV001737015.2), dbSNP rs2138087245, ClinGen allele CA388252635.

ClinVar aggregate classification (germline): Uncertain significance (1 of 4 stars; one submission).

Conditions:
Hereditary cancer-predisposing syndrome. Also called: Neoplastic Syndromes, Hereditary; Tumor predisposition; Hereditary Cancer Syndrome; Hereditary neoplastic syndrome. Identifiers: Orphanet 140162, MedGen C0027672, MeSH D009386, MONDO:0015356.

Submission:

Ambry Genetics
Classification: Uncertain significance for Hereditary cancer-predisposing syndrome. Last evaluated: 2021-12-30. Review status: criteria provided, single submitter. Criteria: Ambry Variant Classification Scheme 2023. Collection method: clinical testing. Allele origin: germline.
Comment: The p.L134V variant (also known as c.400T>G), located in coding exon 4 of the RB1 gene, results from a T to G substitution at nucleotide position 400. The leucine at codon 134 is replaced by valine, an amino acid with highly similar properties. This amino acid position is highly conserved in available vertebrate species. In addition, this alteration is predicted to be tolerated by in silico analysis. Since supporting evidence is limited at this time, the clinical significance of this alteration remains unclear.